The following is an entry in ClinVar:

NM_013382.7(POMT2):c.1012G>A (p.Ala338Thr)

Gene: POMT2 (protein O-mannosyltransferase 2; minus strand). Cytogenetic location: 14q24.3.
Variant type: single nucleotide variant.
Coding change: c.1012G>A on transcript NM_013382.7 (MANE Select); coding-DNA position 1012, G replaced by A.
Protein change: p.Ala338Thr; replaces alanine 338 with threonine.
Molecular consequence: missense variant.
Genome position (GRCh38, 1-based): chr14:77,296,268, C>T on the plus strand (G>A on the coding strand, the complement: POMT2 is on the minus strand). VCF-style: chr14-77296268-C-T. GRCh37 (hg19) VCF-style: chr14-77762611-C-T.
Other names: short protein forms A338T.
Identifiers: ClinVar variation 538731 (VCV000538731.8), dbSNP rs771636400, ClinGen allele CA7286011.

ClinVar aggregate classification (germline): Uncertain significance (1 of 4 stars; one submission).

Conditions:
Muscular dystrophy-dystroglycanopathy (congenital with impaired intellectual development), type B, 2. Also called: Muscular dystrophy-dystroglycanopathy (congenital with intellectual disability), type B2; MUSCULAR DYSTROPHY, CONGENITAL, POMT2-RELATED. Identifiers: MedGen C3150416, MONDO:0013160, OMIM 613156.
Autosomal recessive limb-girdle muscular dystrophy type 2N. Also called: Muscular dystrophy-dystroglycanopathy (limb-girdle), type C, 2; MUSCULAR DYSTROPHY-DYSTROGLYCANOPATHY, LIMB-GIRDLE, POMT2-RELATED. Identifiers: Orphanet 206559, MedGen C3150418, MONDO:0013162, OMIM 613158.
Muscular dystrophy-dystroglycanopathy (congenital with brain and eye anomalies), type A2. Also called: MUSCULAR DYSTROPHY-DYSTROGLYCANOPATHY (CONGENITAL WITH BRAIN AND EYE ANOMALIES), TYPE A, 2; WALKER-WARBURG SYNDROME OR MUSCLE-EYE-BRAIN DISEASE, POMT2-RELATED. Identifiers: Orphanet 588, Orphanet 899, MedGen C3150411, MONDO:0013154, OMIM 613150.

Allele frequency attached by ClinVar (database versions not stated): ExAC 0.00002; gnomAD exomes 0.00001.
gnomAD v4.1: 10 of 1,598,390 alleles (0.00063%); highest among the groups gnomAD compares: Non-Finnish European, 0.00085%; no homozygotes.

Submission:

Labcorp Genetics (formerly Invitae), Labcorp
Classification: Uncertain significance for Muscular dystrophy-dystroglycanopathy (congenital with impaired intellectual development), type B, 2; Muscular dystrophy-dystroglycanopathy (congenital with brain and eye anomalies), type A2; Autosomal recessive limb-girdle muscular dystrophy type 2N. Last evaluated: 2022-03-08. Review status: criteria provided, single submitter. Criteria: Invitae Variant Classification Sherloc (09022015). Collection method: clinical testing. Allele origin: germline.
Comment: This sequence change replaces alanine, which is neutral and non-polar, with threonine, which is neutral and polar, at codon 338 of the POMT2 protein (p.Ala338Thr). The frequency data for this variant in the population databases is considered unreliable, as metrics indicate poor data quality at this position in the gnomAD database. This variant has not been reported in the literature in individuals affected with POMT2-related conditions. ClinVar contains an entry for this variant (Variation ID: 538731). Algorithms developed to predict the effect of missense changes on protein structure and function (SIFT, PolyPhen-2, Align-GVGD) all suggest that this variant is likely to be disruptive. In summary, the available evidence is currently insufficient to determine the role of this variant in disease. Therefore, it has been classified as a Variant of Uncertain Significance.